The following is an entry in ClinVar:

ClinVar aggregate classification (germline): Uncertain significance (1 of 4 stars; one submission).

Submission:

Labcorp Genetics (formerly Invitae), Labcorp
Classification: Uncertain significance. Last evaluated: 2025-09-03. Review status: criteria provided, single submitter. Criteria: Invitae Variant Classification Sherloc (09022015). Collection method: clinical testing. Allele origin: germline.
Comment: This sequence change replaces arginine, which is basic and polar, with tryptophan, which is neutral and slightly polar, at codon 215 of the MC3R protein (p.Arg215Trp). This variant is not present in population databases (gnomAD no frequency). This missense change has been observed in individual(s) with obesity (PMID: 37329217). An algorithm developed to predict the effect of missense changes on protein structure and function (PolyPhen-2) suggests that this variant is likely to be disruptive. In summary, the available evidence is currently insufficient to determine the role of this variant in disease. Therefore, it has been classified as a Variant of Uncertain Significance.

Literature cited by the submitters: PubMed 37329217.

NM_019888.3(MC3R):c.643C>T (p.Arg215Trp)

Gene: MC3R (melanocortin 3 receptor; plus strand). Cytogenetic location: 20q13.2.
Variant type: single nucleotide variant.
Coding change: c.643C>T on transcript NM_019888.3 (MANE Select); coding-DNA position 643, C replaced by T.
Protein change: p.Arg215Trp; replaces arginine 215 with tryptophan.
Molecular consequence: missense variant.
Genome position (GRCh38, 1-based): chr20:56,249,486, C>T. VCF-style: chr20-56249486-C-T. GRCh37 (hg19) VCF-style: chr20-54824542-C-T.
Other names: short protein forms R215W.
Identifiers: ClinVar variation 4703432 (VCV004703432.1).